The following is an entry in ClinVar:

NM_000548.5(TSC2):c.5359G>A (p.Gly1787Ser)

Gene: TSC2 (TSC complex subunit 2; plus strand). Cytogenetic location: 16p13.3.
Variant type: single nucleotide variant.
Coding change: c.5359G>A on transcript NM_000548.5 (MANE Select); coding-DNA position 5359, G replaced by A.
Protein change: p.Gly1787Ser; replaces glycine 1787 with serine.
Molecular consequence: missense variant.
Genome position (GRCh38, 1-based): chr16:2,088,545, G>A. VCF-style: chr16-2088545-G-A. GRCh37 (hg19) VCF-style: chr16-2138546-G-A.
Other names: p.G1787S:GGC>AGC; NM_001077183.1:c.5158G>A; NM_001114382.1:c.5290G>A; XM_005255527.1:c.5632G>A; XM_005255528.1:c.5563G>A; XM_005255529.1:c.5503G>A; XM_005255530.1:c.5500G>A; XM_005255531.1:c.5434G>A; and 14 more; short protein forms G1787S, G1543S, G1672S, G1684S, G1720S, G1764S, G1721S, G1731S.
Identifiers: ClinVar variation 41746 (VCV000041746.75), dbSNP rs45517419, ClinGen allele CA022408.

ClinVar aggregate classification (germline): Conflicting classifications of pathogenicity. Review status: criteria provided, conflicting classifications (1 of 4 stars). 27 submissions from 27 submitters: Uncertain significance (1); Benign (15); Likely benign (6). 5 of the submissions do not count toward it. Last evaluated 2026-08-01.

Conditions:
TSC2-related disorder. Also called: TSC2-related condition; TSC2-Related Disorders.
Hereditary cancer-predisposing syndrome. Also called: Neoplastic Syndromes, Hereditary; Hereditary neoplastic syndrome; Hereditary Cancer Syndrome; Tumor predisposition. Identifiers: Orphanet 140162, MedGen C0027672, MeSH D009386, MONDO:0015356.
Tuberous sclerosis syndrome (TSC). Also called: Tuberous sclerosis; Tuberous Sclerosis Complex. Identifiers: Orphanet 805, MedGen C0041341, MONDO:0001734.
Tuberous sclerosis 2 (TSC2). Identifiers: Orphanet 805, MedGen C1860707, MONDO:0013199, OMIM 613254.

Allele frequency attached by ClinVar (database versions not stated): gnomAD exomes 0.00165 and 0.00213; 1000 Genomes Project 30x 0.00031; 1000 Genomes Project 0.00040; TOPMed 0.00156; ESP Exome Variant Server 0.00162; ExAC 0.00254; gnomAD 0.00259 and 0.00264.
gnomAD v4.1: 2,796 of 1,612,070 alleles (0.17%); highest among the groups gnomAD compares: Non-Finnish European, 0.18%; 14 homozygotes.

Submissions (27):

CeGaT Center for Human Genetics Tuebingen
Classification: Likely benign. Last evaluated: 2026-08-01. Review status: criteria provided, single submitter. Criteria: CeGaT Center For Human Genetics Tuebingen Variant Classification Criteria Version 2. Collection method: clinical testing. Allele origin: germline. Affected: yes. Observed: 124 variant alleles.
Comment: TSC2: BP4, BS2

Labcorp Genetics (formerly Invitae), Labcorp
Classification: Benign for Tuberous sclerosis 2. Last evaluated: 2026-02-03. Review status: criteria provided, single submitter. Criteria: Invitae Variant Classification Sherloc (09022015). Collection method: clinical testing. Allele origin: germline.

Dasa
Classification: Benign for Tuberous sclerosis 2. Last evaluated: 2025-11-05. Review status: criteria provided, single submitter. Criteria: DASA Assertion Criteria. Collection method: clinical testing. Allele origin: germline.
Comment: NM_000548.5(TSC2):c.5359G>A (p.Gly1787Ser) is interpreted as benign based on a combination of available evidence, which may include population frequency, observations in unaffected individuals, intact protein function, lack of segregation with disease, in silico models, amino acid conservation, lack of disease association in case-control studies, and/or inconsistency with the known disease mechanism or impacted region. Based on the available data, this variant is classified as benign.

Athena Diagnostics
Classification: Benign. Last evaluated: 2025-08-06. Review status: criteria provided, single submitter. Criteria: Athena Diagnostics Criteria. Collection method: clinical testing. Allele origin: unknown.
Comment: No new data found. The frequency of this variant in the general population is higher than would generally be expected for pathogenic variants in this gene. Computational tools predict this amino acid change may be benign.

ARUP Laboratories, Molecular Genetics and Genomics, ARUP Laboratories
Classification: Benign. Last evaluated: 2025-07-17. Review status: criteria provided, single submitter. Criteria: ARUP Molecular Germline Variant Investigation Process 2024. Collection method: clinical testing. Allele origin: germline.

Myriad Genetics, Inc.
Classification: Benign for Tuberous sclerosis 2. Last evaluated: 2025-06-09. Review status: criteria provided, single submitter. Criteria: Myriad Autosomal Dominant, Autosomal Recessive and X-Linked Classification Criteria (2023). Collection method: clinical testing. Allele origin: unknown.
Comment: This variant is considered benign. This variant has been observed at a population frequency that is significantly greater than expected given the associated disease prevalence and penetrance. Homozygosity has been confirmed in one or more individuals. As homozygosity for pathogenic variants in this gene is generally assumed to result in embryonic lethality, this variant is unlikely to be pathogenic.

Blueprint Genetics
Classification: Likely benign. Last evaluated: 2024-11-27. Review status: criteria provided, single submitter. Criteria: ACMG Guidelines, 2015. Collection method: clinical testing. Allele origin: germline.

All of Us Research Program, National Institutes of Health
Classification: Likely benign for Tuberous sclerosis syndrome. Last evaluated: 2024-09-27. Review status: criteria provided, single submitter. Criteria: ACMG Guidelines, 2015. Collection method: clinical testing. Allele origin: germline. Inheritance: Autosomal dominant inheritance. Observed: 696 variant alleles, 693 heterozygotes, 3 homozygotes.
Comment: This study involves interpretation of variants in research participants for the purpose of population health screening. Participant phenotype was not available at the time of variant classification. Additional details can be found in publication PMID: 35346344, PMCID: PMC8962531

Genome-Nilou Lab
Classification: Benign for Tuberous sclerosis 2. Last evaluated: 2021-11-07. Review status: criteria provided, single submitter. Criteria: ACMG Guidelines, 2015. Collection method: clinical testing. Allele origin: germline. Affected: no.

Institute for Clinical Genetics, University Hospital TU Dresden, University Hospital TU Dresden
Classification: Uncertain significance. Last evaluated: 2021-11-03. Review status: criteria provided, single submitter. Criteria: ACMG Guidelines, 2015. Collection method: clinical testing. Allele origin: germline.

Genetic Services Laboratory, University of Chicago
Classification: Likely benign. Last evaluated: 2021-07-26. Review status: criteria provided, single submitter. Criteria: ACMG Guidelines, 2015. Collection method: clinical testing. Allele origin: germline. Affected: no.

Sema4
Classification: Benign for Hereditary cancer-predisposing syndrome. Last evaluated: 2020-08-12. Review status: criteria provided, single submitter. Criteria: Sema4 Curation Guidelines. Collection method: curation. Allele origin: germline.

Mayo Clinic Laboratories, Mayo Clinic
Classification: Benign. Last evaluated: 2019-11-21. Review status: criteria provided, single submitter. Criteria: ACMG Guidelines, 2015. Collection method: clinical testing. Allele origin: germline. Observed: 5 variant alleles.

Color Diagnostics, LLC DBA Color Health
Classification: Likely benign for Tuberous sclerosis syndrome. Last evaluated: 2018-03-06. Review status: criteria provided, single submitter. Criteria: ACMG Guidelines, 2015. Collection method: clinical testing. Allele origin: germline.

Illumina Laboratory Services, Illumina
Classification: Benign for Tuberous sclerosis syndrome. Last evaluated: 2018-01-12. Review status: criteria provided, single submitter. Criteria: ICSL Variant Classification Criteria 13 December 2019. Collection method: clinical testing. Allele origin: germline.
Comment: This variant was observed in the ICSL laboratory as part of a predisposition screen in an ostensibly healthy population. It had not been previously curated by ICSL or reported in the Human Gene Mutation Database (HGMD: prior to June 1st, 2018), and was therefore a candidate for classification through an automated scoring system. Utilizing variant allele frequency, disease prevalence and penetrance estimates, and inheritance mode, an automated score was calculated to assess if this variant is too frequent to cause the disease. Based on the score and internal cut-off values, a variant classified as benign is not then subjected to further curation. The score for this variant resulted in a classification of benign for this disease.

Center for Pediatric Genomic Medicine, Children's Mercy Hospital and Clinics
Classification: Benign. Last evaluated: 2017-05-10. Review status: criteria provided, single submitter. Criteria: ACMG Guidelines, 2015. Collection method: clinical testing. Allele origin: germline.

Women's Health and Genetics/Laboratory Corporation of America, LabCorp
Classification: Benign. Last evaluated: 2016-08-23. Review status: criteria provided, single submitter. Criteria: LabCorp Variant Classification Summary - May 2015. Collection method: clinical testing. Allele origin: germline.
Comment: Variant summary: The TSC2 c.5359G>A (p.Gly1787Ser) variant involves the alteration of a non-conserved nucleotide. 3/4 in silico tools predict a benign outcome for this variant (SNPs&GO not captured due to low reliability index). This variant was found in 303/119148 control chromosomes at a frequency of 0.0025431, which is approximately 37 times the estimated maximal expected allele frequency of a pathogenic TSC2 variant (0.0000688), suggesting this variant is likely a benign polymorphism. In addition, multiple clinical diagnostic laboratories/reputable databases classified this variant as benign. Taken together, this variant is classified as benign.

Eurofins Ntd Llc (ga)
Classification: Likely benign. Last evaluated: 2015-11-12. Review status: criteria provided, single submitter. Criteria: EGL Classification Definitions 2015. Collection method: clinical testing. Allele origin: germline. Observed: 1 variant allele, 1 heterozygote.

CSER _CC_NCGL, University of Washington
Classification: Benign for Tuberous Sclerosis Complex. Last evaluated: 2015-03-11. Review status: criteria provided, single submitter. Criteria: Amendola et al. (Genome Res. 2015). Collection method: research. Allele origin: germline. Inheritance: Autosomal dominant inheritance. Study: CSER - NEXT Medicine variant annotation.

Genomic Diagnostic Laboratory, Division of Genomic Diagnostics, Children's Hospital of Philadelphia
Classification: Benign for Tuberous sclerosis 2. Last evaluated: 2015-03-06. Review status: criteria provided, single submitter. Criteria: DGD Variant Analysis Guidelines. Collection method: clinical testing. Allele origin: unknown.

Ambry Genetics
Classification: Benign for Hereditary cancer-predisposing syndrome. Last evaluated: 2015-01-09. Review status: criteria provided, single submitter. Criteria: Ambry Variant Classification Scheme 2023. Collection method: clinical testing. Allele origin: germline.

GeneDx
Classification: Benign. Last evaluated: 2013-03-03. Review status: criteria provided, single submitter. Criteria: GeneDx Variant Classification (06012015). Collection method: clinical testing. Allele origin: germline. Affected: yes.
Comment: This variant is considered likely benign or benign based on one or more of the following criteria: it is a conservative change, it occurs at a poorly conserved position in the protein, it is predicted to be benign by multiple in silico algorithms, and/or has population frequency not consistent with disease.

PreventionGenetics, part of Exact Sciences
Classification: Benign for TSC2-related condition. Last evaluated: 2019-08-01. Review status: no assertion criteria provided. Collection method: clinical testing. Allele origin: germline. Not counted in ClinVar's aggregate classification.
Comment: This variant is classified as benign based on ACMG/AMP sequence variant interpretation guidelines (Richards et al. 2015 PMID: 25741868, with internal and published modifications).

ITMI
No classification provided. Condition: AllHighlyPenetrant. Last evaluated: 2013-09-19. Review status: no classification provided. Collection method: reference population. Allele origin: germline. Not counted in ClinVar's aggregate classification.
Comment: Please see associated publication for description of ethnicities

Biesecker Lab/Clinical Genomics Section, National Institutes of Health
Classification: Likely benign. Last evaluated: 2012-07-13. Review status: no assertion criteria provided. Collection method: research. Allele origin: germline. Affected: no. Observed: 2 variant alleles. Study: ClinSeq. Not counted in ClinVar's aggregate classification.
ClinVar note: Converted during submission from probably not pathogenic to Likely benign.

Genome Diagnostics Laboratory, Amsterdam University Medical Center
Classification: Likely benign. Review status: no assertion criteria provided. Collection method: clinical testing. Allele origin: germline. Affected: yes. Study: VKGL Data-share Consensus. Not counted in ClinVar's aggregate classification.

Tuberous sclerosis database (TSC2)
No classification provided. Condition: TSC. Review status: no classification provided. Criteria: Tuberous Sclerosis Database Assertion Criteria 2015. Collection method: curation. Allele origin: germline. Affected: yes. Not counted in ClinVar's aggregate classification.

Literature cited by the submitters: PubMed 24728327 (cited by Athena Diagnostics and ITMI); PubMed 17304050 (cited by Athena Diagnostics); PubMed 10533067 (cited by Athena Diagnostics).